The following is an entry in ClinVar:

NM_001081.4(CUBN):c.1287T>A (p.Cys429Ter)

Genes: CUBN (cubilin; minus strand), LOC129390143 (MPRA-validated peak884 silencer; plus strand). Cytogenetic location: 10p13.
Variant type: single nucleotide variant.
Coding change: c.1287T>A on transcript NM_001081.4 (MANE Select); coding-DNA position 1287, T replaced by A.
Protein change: p.Cys429Ter; replaces cysteine 429 with a stop codon.
Molecular consequence: nonsense.
Genome position (GRCh38, 1-based): chr10:17,104,549, A>T on the plus strand (T>A on the coding strand, the complement: CUBN is on the minus strand). VCF-style: chr10-17104549-A-T. GRCh37 (hg19) VCF-style: chr10-17146548-A-T.
Other names: short protein forms C429*.
Identifiers: ClinVar variation 4526355 (VCV004526355.1).

ClinVar aggregate classification (germline): Pathogenic (1 of 4 stars; one submission).

Submission:

Centre of Medical Genetics, University Hospital Muenster
Classification: Pathogenic. Last evaluated: 2025-03-13. Review status: criteria provided, single submitter. Criteria: ACMG Guidelines, 2015. Collection method: clinical testing. Allele origin: unknown. Affected: yes. Observed: 1 variant allele, 1 heterozygote.
Comment: ACMG categories: PVS1,PM2,PP4